The following is an entry in ClinVar:

NM_001127713.1(ATL1):c.-140+60G>A

Genes: ATL1 (atlastin GTPase 1; plus strand), MAP4K5 (mitogen-activated protein kinase kinase kinase kinase 5; minus strand). Cytogenetic location: 14q22.1.
Variant type: single nucleotide variant.
Coding change: c.-140+60G>A on transcript NM_001127713.1; 60 bases into the intron after 140 bases upstream of the start codon, G replaced by A.
Molecular consequence: intron variant.
Genome position (GRCh38, 1-based): chr14:50,533,427, G>A. VCF-style: chr14-50533427-G-A. GRCh37 (hg19) VCF-style: chr14-51000145-G-A.
Identifiers: ClinVar variation 678057 (VCV000678057.4), dbSNP rs7152978, ClinGen allele CA260778876.

ClinVar aggregate classification (germline): Benign. Review status: criteria provided, multiple submitters, no conflicts (2 of 4 stars). 2 submissions from 2 submitters: Benign (2). Last evaluated 2018-06-20.

Allele frequency attached by ClinVar (database versions not stated): TOPMed 0.99318; gnomAD 0.99330 and 0.99379; 1000 Genomes Project 0.99421; 1000 Genomes Project 30x 0.99391.

Submissions (2):

GeneDx
Classification: Benign. Last evaluated: 2018-06-20. Review status: criteria provided, single submitter. Criteria: GeneDx Variant Classification (06012015). Collection method: clinical testing. Allele origin: germline. Affected: yes.
Comment: This variant is considered likely benign or benign based on one or more of the following criteria: it is a conservative change, it occurs at a poorly conserved position in the protein, it is predicted to be benign by multiple in silico algorithms, and/or has population frequency not consistent with disease.

Breakthrough Genomics
Classification: Benign. Review status: criteria provided, single submitter. Criteria: ACMG Guidelines, 2015. Collection method: not provided. Allele origin: germline. Inheritance: Autosomal dominant inheritance. Affected: yes.